The following is an entry in ClinVar:

NM_024700.4(SNIP1):c.818T>C (p.Met273Thr)

Genes: SNIP1 (Smad nuclear interacting protein 1; minus strand), LOC126805704 (BRD4-independent group 4 enhancer GRCh37_chr1:38005292-38006491; plus strand). Cytogenetic location: 1p34.3.
Variant type: single nucleotide variant.
Coding change: c.818T>C on transcript NM_024700.4 (MANE Select); coding-DNA position 818, T replaced by C.
Protein change: p.Met273Thr; replaces methionine 273 with threonine.
Molecular consequence: missense variant.
Genome position (GRCh38, 1-based): chr1:37,540,265, A>G on the plus strand (T>C on the coding strand, the complement: SNIP1 is on the minus strand). VCF-style: chr1-37540265-A-G. GRCh37 (hg19) VCF-style: chr1-38005866-A-G.
Other names: short protein forms M273T.
Identifiers: ClinVar variation 2981331 (VCV002981331.3), dbSNP rs1643157406, ClinGen allele CA339449073.

ClinVar aggregate classification (germline): Uncertain significance (1 of 4 stars; one submission).

gnomAD v4.1: 8 of 1,614,182 alleles (0.0005%); highest among the groups gnomAD compares: Middle Eastern, 0.016%; no homozygotes.

Submission:

Labcorp Genetics (formerly Invitae), Labcorp
Classification: Uncertain significance. Last evaluated: 2023-09-04. Review status: criteria provided, single submitter. Criteria: Invitae Variant Classification Sherloc (09022015). Collection method: clinical testing. Allele origin: germline.
Comment: In summary, the available evidence is currently insufficient to determine the role of this variant in disease. Therefore, it has been classified as a Variant of Uncertain Significance. Advanced modeling of protein sequence and biophysical properties (such as structural, functional, and spatial information, amino acid conservation, physicochemical variation, residue mobility, and thermodynamic stability) performed at Invitae indicates that this missense variant is expected to disrupt SNIP1 protein function. This variant has not been reported in the literature in individuals affected with SNIP1-related conditions. This variant is not present in population databases (gnomAD no frequency). This sequence change replaces methionine, which is neutral and non-polar, with threonine, which is neutral and polar, at codon 273 of the SNIP1 protein (p.Met273Thr).